The following is an entry in ClinVar:

ClinVar aggregate classification (germline): Uncertain significance (1 of 4 stars; one submission).

Allele frequency attached by ClinVar (database versions not stated): gnomAD exomes below 0.00001; TOPMed below 0.00001.
gnomAD v4.1: 3 of 1,517,766 alleles (0.0002%); highest among the groups gnomAD compares: Admixed American, 0.002%; no homozygotes.

Submission:

Labcorp Genetics (formerly Invitae), Labcorp
Classification: Uncertain significance. Last evaluated: 2022-08-20. Review status: criteria provided, single submitter. Criteria: Invitae Variant Classification Sherloc (09022015). Collection method: clinical testing. Allele origin: germline.
Comment: In summary, the available evidence is currently insufficient to determine the role of this variant in disease. Therefore, it has been classified as a Variant of Uncertain Significance. Algorithms developed to predict the effect of missense changes on protein structure and function are either unavailable or do not agree on the potential impact of this missense change (SIFT: "Deleterious"; PolyPhen-2: "Benign"; Align-GVGD: "Class C0"). This variant has not been reported in the literature in individuals affected with DSCAML1-related conditions. This variant is not present in population databases (gnomAD no frequency). This sequence change replaces proline, which is neutral and non-polar, with leucine, which is neutral and non-polar, at codon 2056 of the DSCAML1 protein (p.Pro2056Leu).

NM_020693.4(DSCAML1):c.5987C>T (p.Pro1996Leu)

Gene: DSCAML1 (DS cell adhesion molecule like 1; minus strand). Cytogenetic location: 11q23.3.
Variant type: single nucleotide variant.
Coding change: c.5987C>T on transcript NM_020693.4 (MANE Select); coding-DNA position 5987, C replaced by T.
Protein change: p.Pro1996Leu; replaces proline 1996 with leucine.
Molecular consequence: missense variant.
Genome position (GRCh38, 1-based): chr11:117,428,503, G>A on the plus strand (C>T on the coding strand, the complement: DSCAML1 is on the minus strand). VCF-style: chr11-117428503-G-A. GRCh37 (hg19) VCF-style: chr11-117299219-G-A.
Other names: short protein forms P1996L.
Identifiers: ClinVar variation 1973137 (VCV001973137.5), dbSNP rs2047709644, ClinGen allele CA382751024.